The following is an entry in ClinVar:

NM_003803.4(MYOM1):c.2093C>T (p.Ala698Val)

Gene: MYOM1 (myomesin 1; minus strand). Cytogenetic location: 18p11.31.
Variant type: single nucleotide variant.
Coding change: c.2093C>T on transcript NM_003803.4 (MANE Select); coding-DNA position 2093, C replaced by T.
Protein change: p.Ala698Val; replaces alanine 698 with valine.
Molecular consequence: missense variant.
Genome position (GRCh38, 1-based): chr18:3,135,663, G>A on the plus strand (C>T on the coding strand, the complement: MYOM1 is on the minus strand). VCF-style: chr18-3135663-G-A. GRCh37 (hg19) VCF-style: chr18-3135661-G-A.
Other names: c.2093C>T, p.Ala698Val (NM_019856.2); short protein forms A698V.
Identifiers: ClinVar variation 4860672 (VCV004860672.1).

ClinVar aggregate classification (germline): Uncertain significance (1 of 4 stars; one submission).

gnomAD v4.1: 3 of 1,613,986 alleles (0.00019%); highest among the groups gnomAD compares: Non-Finnish European, 0.00025%; no homozygotes.

Submission:

Ambry Genetics
Classification: Uncertain significance. Last evaluated: 2026-03-28. Review status: criteria provided, single submitter. Criteria: Ambry Variant Classification Scheme 2023. Collection method: clinical testing. Allele origin: germline.
Comment: The p.A698V variant (also known as c.2093C>T), located in coding exon 14 of the MYOM1 gene, results from a C to T substitution at nucleotide position 2093. The alanine at codon 698 is replaced by valine, an amino acid with similar properties. This amino acid position is conserved. In addition, the in silico prediction for this alteration is inconclusive. Based on the available evidence, the clinical significance of this variant remains unclear.